The following is an entry in ClinVar:

NM_000458.4(HNF1B):c.1226G>T (p.Gly409Val)

Gene: HNF1B (HNF1 homeobox B; minus strand). Cytogenetic location: 17q12.
Variant type: single nucleotide variant.
Coding change: c.1226G>T on transcript NM_000458.4 (MANE Select); coding-DNA position 1226, G replaced by T.
Protein change: p.Gly409Val; replaces glycine 409 with valine.
Molecular consequence: missense variant.
Genome position (GRCh38, 1-based): chr17:37,705,030, C>A on the plus strand (G>T on the coding strand, the complement: HNF1B is on the minus strand). VCF-style: chr17-37705030-C-A. GRCh37 (hg19) VCF-style: chr17-36065037-C-A.
Other names: c.1148G>T, p.Gly383Val (NM_001165923.4, NM_001304286.2); c.1226G>T, p.Gly409Val (NM_001411100.1); short protein forms G409V, G383V.
Identifiers: ClinVar variation 3010609 (VCV003010609.3), dbSNP rs747412954, ClinGen allele CA8518858.

ClinVar aggregate classification (germline): Uncertain significance (1 of 4 stars; one submission).

Allele frequency attached by ClinVar (database versions not stated): gnomAD exomes below 0.00001; TOPMed below 0.00001; ExAC 0.00002.
gnomAD v4.1: 6 of 1,613,814 alleles (0.00037%); highest among the groups gnomAD compares: Non-Finnish European, 0.00042%; no homozygotes.

Submission:

Labcorp Genetics (formerly Invitae), Labcorp
Classification: Uncertain significance. Last evaluated: 2024-12-31. Review status: criteria provided, single submitter. Criteria: Invitae Variant Classification Sherloc (09022015). Collection method: clinical testing. Allele origin: germline.
Comment: This sequence change replaces glycine, which is neutral and non-polar, with valine, which is neutral and non-polar, at codon 409 of the HNF1B protein (p.Gly409Val). This variant is present in population databases (rs747412954, gnomAD 0.002%). This variant has not been reported in the literature in individuals affected with HNF1B-related conditions. ClinVar contains an entry for this variant (Variation ID: 3010609). Invitae Evidence Modeling of protein sequence and biophysical properties (such as structural, functional, and spatial information, amino acid conservation, physicochemical variation, residue mobility, and thermodynamic stability) indicates that this missense variant is not expected to disrupt HNF1B protein function with a negative predictive value of 80%. In summary, the available evidence is currently insufficient to determine the role of this variant in disease. Therefore, it has been classified as a Variant of Uncertain Significance.